The following is an entry in ClinVar:

NM_170606.3(KMT2C):c.7501C>T (p.Pro2501Ser)

Gene: KMT2C (lysine methyltransferase 2C; minus strand). Cytogenetic location: 7q36.1.
Variant type: single nucleotide variant.
Coding change: c.7501C>T on transcript NM_170606.3 (MANE Select); coding-DNA position 7501, C replaced by T.
Protein change: p.Pro2501Ser; replaces proline 2501 with serine.
Molecular consequence: missense variant.
Genome position (GRCh38, 1-based): chr7:152,177,952, G>A on the plus strand (C>T on the coding strand, the complement: KMT2C is on the minus strand). VCF-style: chr7-152177952-G-A. GRCh37 (hg19) VCF-style: chr7-151875037-G-A.
Other names: short protein forms P2501S.
Identifiers: ClinVar variation 1702748 (VCV001702748.2), dbSNP rs2129115691, ClinGen allele CA370086690.

ClinVar aggregate classification (germline): Uncertain significance (1 of 4 stars; one submission).

Allele frequency attached by ClinVar (database versions not stated): gnomAD exomes below 0.00001.
gnomAD v4.1: 1 of 1,591,866 alleles (0.000063%); highest among the groups gnomAD compares: Non-Finnish European, 0.000085%; no homozygotes.

Submission:

GeneDx
Classification: Uncertain significance. Last evaluated: 2022-02-18. Review status: criteria provided, single submitter. Criteria: GeneDx Variant Classification Process June 2021. Collection method: clinical testing. Allele origin: germline. Affected: yes.
Comment: Not observed at significant frequency in large population cohorts (gnomAD); In silico analysis supports that this missense variant has a deleterious effect on protein structure/function; Has not been previously published as pathogenic or benign to our knowledge